The following is an entry in ClinVar:

NM_058179.4(PSAT1):c.748G>A (p.Val250Ile)

Gene: PSAT1 (phosphoserine aminotransferase 1; plus strand). Cytogenetic location: 9q21.2.
Variant type: single nucleotide variant.
Coding change: c.748G>A on transcript NM_058179.4 (MANE Select); coding-DNA position 748, G replaced by A.
Protein change: p.Val250Ile; replaces valine 250 with isoleucine.
Molecular consequence: missense variant.
Genome position (GRCh38, 1-based): chr9:78,317,683, G>A. VCF-style: chr9-78317683-G-A. GRCh37 (hg19) VCF-style: chr9-80932599-G-A.
Other names: c.748G>A, p.Val250Ile (NM_021154.5); short protein forms V250I.
Identifiers: ClinVar variation 977054 (VCV000977054.8), dbSNP rs368071286, ClinGen allele CA5095721.

ClinVar aggregate classification (germline): Uncertain significance. Review status: criteria provided, multiple submitters, no conflicts (2 of 4 stars). 3 submissions from 3 submitters: Uncertain significance (2). 1 of the submissions does not count toward it. Last evaluated 2023-11-27.

Conditions:
Neu-Laxova syndrome 2. Identifiers: Orphanet 2671, Orphanet 583602, MedGen C4015019, MONDO:0014466, OMIM 616038.

Allele frequency attached by ClinVar (database versions not stated): gnomAD exomes 0.00001 and 0.00003; ExAC 0.00004; ESP Exome Variant Server 0.00008; TOPMed 0.00013.
gnomAD v4.1: 32 of 1,613,384 alleles (0.002%); highest among the groups gnomAD compares: African/African-American, 0.023%; no homozygotes.

Submissions (3):

Labcorp Genetics (formerly Invitae), Labcorp
Classification: Uncertain significance for Neu-Laxova syndrome 2. Last evaluated: 2023-11-27. Review status: criteria provided, single submitter. Criteria: Invitae Variant Classification Sherloc (09022015). Collection method: clinical testing. Allele origin: germline.
Comment: This sequence change replaces valine, which is neutral and non-polar, with isoleucine, which is neutral and non-polar, at codon 250 of the PSAT1 protein (p.Val250Ile). This variant is present in population databases (rs368071286, gnomAD 0.03%). This variant has not been reported in the literature in individuals affected with PSAT1-related conditions. ClinVar contains an entry for this variant (Variation ID: 977054). Advanced modeling of protein sequence and biophysical properties (such as structural, functional, and spatial information, amino acid conservation, physicochemical variation, residue mobility, and thermodynamic stability) performed at Invitae indicates that this missense variant is not expected to disrupt PSAT1 protein function with a negative predictive value of 80%. Experimental studies have shown that this missense change does not substantially affect PSAT1 function (PMID: 32077105). In summary, the available evidence is currently insufficient to determine the role of this variant in disease. Therefore, it has been classified as a Variant of Uncertain Significance.

Breakthrough Genomics
Classification: Uncertain significance. Review status: criteria provided, single submitter. Criteria: ACMG Guidelines, 2015. Collection method: not provided. Allele origin: germline. Inheritance: Autosomal recessive inheritance. Affected: yes.

Dudley Research Group, Pacific Northwest Research Institute
No classification provided. Review status: no classification provided. Collection method: research, in vivo. Allele origin: unknown, not applicable. Functional consequence: functionally_normal. Not counted in ClinVar's aggregate classification.

Literature cited by the submitters: PubMed 32077105 (cited by Labcorp Genetics (formerly Invitae), Labcorp).